The following is an entry in ClinVar:

ClinVar aggregate classification (germline): Uncertain significance (1 of 4 stars; one submission).

Submission:

GeneDx
Classification: Uncertain significance. Last evaluated: 2024-11-14. Review status: criteria provided, single submitter. Criteria: GeneDx Variant Classification Process June 2021. Collection method: clinical testing. Allele origin: germline. Affected: yes.
Comment: Not observed at significant frequency in large population cohorts (gnomAD); In silico analysis indicates that this missense variant does not alter protein structure/function; Has not been previously published as pathogenic or benign to our knowledge; This variant is associated with the following publications: (PMID: 25411445)

NM_016373.4(WWOX):c.805A>G (p.Asn269Asp)

Gene: WWOX (WW domain containing oxidoreductase; plus strand). Cytogenetic location: 16q23.1.
Variant type: single nucleotide variant.
Coding change: c.805A>G on transcript NM_016373.4 (MANE Select); coding-DNA position 805, A replaced by G.
Protein change: p.Asn269Asp; replaces asparagine 269 with aspartic acid.
Molecular consequence: missense variant.
Genome position (GRCh38, 1-based): chr16:78,432,501, A>G. VCF-style: chr16-78432501-A-G. GRCh37 (hg19) VCF-style: chr16-78466398-A-G.
Other names: c.466A>G, p.Asn156Asp (NM_001291997.2); short protein forms N156D, N269D.
Identifiers: ClinVar variation 3899651 (VCV003899651.1).